The following is an entry in ClinVar:

NM_000059.4(BRCA2):c.966dup (p.Val323fs)

Gene: BRCA2 (BRCA2 DNA repair associated; plus strand). Cytogenetic location: 13q13.1.
Variant type: Duplication.
Coding change: c.966dup on transcript NM_000059.4 (MANE Select); coding-DNA position 966, one base duplicated (A; older notation c.966dupA).
Protein change: p.Val323fs; shifts the reading frame from valine 323.
Molecular consequence: frameshift variant.
Genome position (GRCh38, 1-based): chr13:32,332,444, A duplicated; the last of 5 consecutive A bases (chr13:32,332,440-32,332,444); duplicating any one gives the same sequence. VCF-style (leftmost placement, unchanged base first): chr13-32332439-C-CA. GRCh37 (hg19) VCF-style: chr13-32906576-C-CA.
Other names: c.966dup, p.Val323Serfs (NM_001406720.1, NM_001406721.1, NM_001406719.1); c.966dupA (NM_000059.3); short protein forms V323fs.
Identifiers: ClinVar variation 1767731 (VCV001767731.2), dbSNP rs1566222463, ClinGen allele CA2580087180.

ClinVar aggregate classification (germline): Pathogenic (1 of 4 stars; one submission).

Conditions:
Hereditary cancer-predisposing syndrome. Also called: Hereditary Cancer Syndrome; Hereditary neoplastic syndrome; Neoplastic Syndromes, Hereditary; Tumor predisposition. Identifiers: Orphanet 140162, MedGen C0027672, MeSH D009386, MONDO:0015356.

Submission:

Ambry Genetics
Classification: Pathogenic for Hereditary cancer-predisposing syndrome. Last evaluated: 2022-10-06. Review status: criteria provided, single submitter. Criteria: Ambry Variant Classification Scheme 2023. Collection method: clinical testing. Allele origin: germline.
Comment: The c.966dupA pathogenic mutation, located in coding exon 9 of the BRCA2 gene, results from a duplication of A at nucleotide position 966, causing a translational frameshift with a predicted alternate stop codon (p.V323Sfs*4). This variant is considered to be rare based on population cohorts in the Genome Aggregation Database (gnomAD). This alteration is expected to result in loss of function by premature protein truncation or nonsense-mediated mRNA decay. As such, this alteration is interpreted as a disease-causing mutation.